The following is an entry in ClinVar:

ClinVar aggregate classification (germline): Pathogenic/Likely pathogenic. Review status: criteria provided, multiple submitters, no conflicts (2 of 4 stars). 2 submissions from 2 submitters: Pathogenic (1); Likely pathogenic (1). Last evaluated 2026-02-01.

Conditions:
Intellectual developmental disorder, autosomal recessive 13. Also called: Intellectual disability, autosomal recessive 13. Identifiers: Orphanet 88616, MedGen C2750791, MONDO:0013173, OMIM 613192.

Allele frequency attached by ClinVar (database versions not stated): TOPMed below 0.00001.
gnomAD v4.1: 4 of 1,543,668 alleles (0.00026%); highest among the groups gnomAD compares: Non-Finnish European, 0.00035%; no homozygotes.

Submissions (2):

Labcorp Genetics (formerly Invitae), Labcorp
Classification: Likely pathogenic. Last evaluated: 2026-02-01. Review status: criteria provided, single submitter. Criteria: Invitae Variant Classification Sherloc (09022015). Collection method: clinical testing. Allele origin: germline.
Comment: This sequence change affects an acceptor splice site in intron 18 of the TRAPPC9 gene. It is expected to disrupt RNA splicing. Variants that disrupt the donor or acceptor splice site typically lead to a loss of protein function (PMID: 16199547), and loss-of-function variants in TRAPPC9 are known to be pathogenic (PMID: 2000476, 20004763, 20004764). This variant is not present in population databases (gnomAD no frequency). This variant has not been reported in the literature in individuals affected with TRAPPC9-related conditions. ClinVar contains an entry for this variant (Variation ID: 1464983). Algorithms developed to predict the effect of sequence changes on RNA splicing suggest that this variant may disrupt the consensus splice site. In summary, the currently available evidence indicates that the variant is pathogenic, but additional data are needed to prove that conclusively. Therefore, this variant has been classified as Likely Pathogenic.

3billion
Classification: Pathogenic for Intellectual developmental disorder, autosomal recessive 13. Last evaluated: 2025-08-12. Review status: criteria provided, single submitter. Criteria: ACMG Guidelines, 2015. Collection method: clinical testing. Allele origin: germline. Affected: yes.
Comment: The variant is observed at an extremely low frequency in the gnomAD v4.1.0 dataset (total allele frequency: <0.001%). Predicted Consequence/Location: Canonical splice site: predicted to alter splicing and result in a loss or disruption of normal protein function. Multiple pathogenic loss-of-function variants are reported downstream of the variant. In silico tools predict the variant to alter splicing and produce an abnormal transcript [SpliceAI: 1.00 (spliceogenicity >=0.2, non-spliceogenicity <0.1)]. The variant has been reported to be associated with TRAPPC9-related disorder (ClinVar ID: VCV001464983). Therefore, this variant is classified as Pathogenic according to the recommendation of ACMG/AMP guideline.

Literature cited by the submitters: PubMed 16199547 (cited by Labcorp Genetics (formerly Invitae), Labcorp); PubMed 2000476 (cited by Labcorp Genetics (formerly Invitae), Labcorp); PubMed 20004763 (cited by Labcorp Genetics (formerly Invitae), Labcorp); PubMed 20004764 (cited by Labcorp Genetics (formerly Invitae), Labcorp).

NM_001160372.4(TRAPPC9):c.2700-2A>T

Gene: TRAPPC9 (trafficking protein particle complex subunit 9; minus strand). Cytogenetic location: 8q24.3.
Variant type: single nucleotide variant.
Coding change: c.2700-2A>T on transcript NM_001160372.4 (MANE Select); the canonical splice acceptor site of the intron before coding-DNA position 2700, A replaced by T.
Molecular consequence: splice acceptor variant. On other transcripts: intron variant (1).
Genome position (GRCh38, 1-based): chr8:139,988,838, T>A on the plus strand (A>T on the coding strand, the complement: TRAPPC9 is on the minus strand). VCF-style: chr8-139988838-T-A. GRCh37 (hg19) VCF-style: chr8-140999046-T-A.
Other names: c.2700-2A>T (NM_031466.8); c.2673-2A>T (NM_001321646.2); c.2556-2A>T (NM_001374684.1); c.2699+35099A>T (NM_001374683.1); c.2721-2A>T (NM_001374682.1).
Identifiers: ClinVar variation 1464983 (VCV001464983.7), dbSNP rs1042063281, ClinGen allele CA372737031.